The following is an entry in ClinVar:

NM_138615.3(DHX30):c.2741G>A (p.Ser914Asn)

Gene: DHX30 (DExH-box helicase 30; plus strand). Cytogenetic location: 3p21.31.
Variant type: single nucleotide variant.
Coding change: c.2741G>A on transcript NM_138615.3 (MANE Select); coding-DNA position 2741, G replaced by A.
Protein change: p.Ser914Asn; replaces serine 914 with asparagine.
Molecular consequence: missense variant.
Genome position (GRCh38, 1-based): chr3:47,848,789, G>A. VCF-style: chr3-47848789-G-A. GRCh37 (hg19) VCF-style: chr3-47890279-G-A.
Other names: c.2657G>A, p.Ser886Asn (NM_001330990.2); c.2624G>A, p.Ser875Asn (NM_014966.4); short protein forms S886N, S875N, S914N.
Identifiers: ClinVar variation 4834203 (VCV004834203.1).

ClinVar aggregate classification (germline): Uncertain significance (1 of 4 stars; one submission).

Conditions:
Inborn genetic diseases. Identifiers: MedGen C0950123, MeSH D030342.

gnomAD v4.1: 2 of 1,613,976 alleles (0.00012%); highest among the groups gnomAD compares: South Asian, 0.0022%; no homozygotes.

Submission:

Ambry Genetics
Classification: Uncertain significance for Inborn genetic diseases. Last evaluated: 2025-12-16. Review status: criteria provided, single submitter. Criteria: Ambry Variant Classification Scheme 2023. Collection method: clinical testing. Allele origin: germline.
Comment: The c.2741G>A (p.S914N) alteration is located in exon 17 (coding exon 15) of the DHX30 gene. This alteration results from a G to A substitution at nucleotide position 2741, causing the serine (S) at amino acid position 914 to be replaced by an asparagine (N). Based on data from gnomAD, the A allele has an overall frequency of <0.001% (1/251294) total alleles studied. The highest observed frequency was 0.003% (1/30616) of South Asian alleles. Based on insufficient or conflicting evidence, the clinical significance of this alteration remains unclear.